The following is an entry in ClinVar:

NM_000088.4(COL1A1):c.3122C>T (p.Pro1041Leu)

Gene: COL1A1 (collagen type I alpha 1 chain; minus strand). Cytogenetic location: 17q21.33.
Variant type: single nucleotide variant.
Coding change: c.3122C>T on transcript NM_000088.4 (MANE Select); coding-DNA position 3122, C replaced by T.
Protein change: p.Pro1041Leu; replaces proline 1041 with leucine.
Molecular consequence: missense variant.
Genome position (GRCh38, 1-based): chr17:50,188,615, G>A on the plus strand (C>T on the coding strand, the complement: COL1A1 is on the minus strand). VCF-style: chr17-50188615-G-A. GRCh37 (hg19) VCF-style: chr17-48265976-G-A.
Other names: short protein forms P1041L.
Identifiers: ClinVar variation 1029479 (VCV001029479.8), dbSNP rs1906769403, ClinGen allele CA400201359.

ClinVar aggregate classification (germline): Uncertain significance. Review status: criteria provided, multiple submitters, no conflicts (2 of 4 stars). 3 submissions from 3 submitters: Uncertain significance (3). Last evaluated 2026-05-27.

Conditions:
Osteogenesis imperfecta type I (OI1). Also called: OI, TYPE I; OSTEOGENESIS IMPERFECTA TARDA; OSTEOGENESIS IMPERFECTA WITH BLUE SCLERAE; Osteogenesis imperfecta type 1; Lobstein's Disease; Classic Non-deforming Osteogenesis Imperfecta with Blue Sclerae. Identifiers: Orphanet 216796, Orphanet 666, MedGen C0023931, MONDO:0008146, OMIM 166200. Disease mechanism: loss of function.
Infantile cortical hyperostosis. Also called: Hyperostosis, Cortical, Congenital; P1PK BLOOD GROUP SYSTEM, P(2) PHENOTYPE; Caffey Disease. Identifiers: Orphanet 1310, MedGen C0020497, MONDO:0007244, OMIM 114000.

Allele frequency attached by ClinVar (database versions not stated): TOPMed 0.00001; gnomAD exomes below 0.00001.
gnomAD v4.1: 2 of 1,612,910 alleles (0.00012%); highest among the groups gnomAD compares: African/African-American, 0.0013%; no homozygotes.

Submissions (3):

Women's Health and Genetics/Laboratory Corporation of America, LabCorp
Classification: Uncertain significance. Last evaluated: 2026-05-27. Review status: criteria provided, single submitter. Criteria: LabCorp Variant Classification Summary - May 2015. Collection method: clinical testing. Allele origin: germline.
Comment: Variant summary: COL1A1 c.3122C>T (p.Pro1041Leu) results in a non-conservative amino acid change in the encoded protein sequence. Algorithms developed to predict the effect of missense changes on protein structure and function all suggest that this variant is likely to be disruptive. The variant was absent in 250274 control chromosomes. The available data on variant occurrences in the general population are insufficient to allow any conclusion about variant significance. To our knowledge, no occurrence of c.3122C>T in individuals affected with COL1A1-related conditions and no experimental evidence demonstrating its impact on protein function have been reported. ClinVar contains an entry for this variant (Variation ID: 1029479). Based on the evidence outlined above, the variant was classified as uncertain significance.

Labcorp Genetics (formerly Invitae), Labcorp
Classification: Uncertain significance for Osteogenesis imperfecta type I. Last evaluated: 2024-06-15. Review status: criteria provided, single submitter. Criteria: Invitae Variant Classification Sherloc (09022015). Collection method: clinical testing. Allele origin: germline.
Comment: This sequence change replaces proline, which is neutral and non-polar, with leucine, which is neutral and non-polar, at codon 1041 of the COL1A1 protein (p.Pro1041Leu). This variant is not present in population databases (gnomAD no frequency). This variant has not been reported in the literature in individuals affected with COL1A1-related conditions. ClinVar contains an entry for this variant (Variation ID: 1029479). Advanced modeling of protein sequence and biophysical properties (such as structural, functional, and spatial information, amino acid conservation, physicochemical variation, residue mobility, and thermodynamic stability) has been performed at Invitae for this missense variant, however the output from this modeling did not meet the statistical confidence thresholds required to predict the impact of this variant on COL1A1 protein function. In summary, the available evidence is currently insufficient to determine the role of this variant in disease. Therefore, it has been classified as a Variant of Uncertain Significance.

Baylor Genetics
Classification: Uncertain significance for Infantile cortical hyperostosis. Last evaluated: 2020-08-03. Review status: criteria provided, single submitter. Criteria: ACMG Guidelines, 2015. Collection method: clinical testing. Allele origin: unknown. Affected: yes.
Comment: This variant was determined to be of uncertain significance according to ACMG Guidelines, 2015 [PMID:25741868].